The following is an entry in ClinVar:

NM_001110556.2(FLNA):c.7584C>A (p.His2528Gln)

Genes: FLNA (filamin A; minus strand), LOC107988032 (Xq28 proximal FLNA-EMD recombination region; plus strand). Cytogenetic location: Xq28.
Variant type: single nucleotide variant.
Coding change: c.7584C>A on transcript NM_001110556.2 (MANE Select); coding-DNA position 7584, C replaced by A.
Protein change: p.His2528Gln; replaces histidine 2528 with glutamine.
Molecular consequence: missense variant.
Genome position (GRCh38, 1-based): chrX:154,349,534, G>T on the plus strand (C>A on the coding strand, the complement: FLNA is on the minus strand). VCF-style: chrX-154349534-G-T. GRCh37 (hg19) VCF-style: chrX-153577902-G-T.
Other names: c.7560C>A, p.His2520Gln (NM_001456.4); short protein forms H2520Q, H2528Q.
Identifiers: ClinVar variation 3850742 (VCV003850742.1).

ClinVar aggregate classification (germline): Uncertain significance (1 of 4 stars; one submission).

Conditions:
Familial thoracic aortic aneurysm and aortic dissection (TAAD). Also called: Thoracic aortic aneurysms and dissections. Identifiers: Orphanet 91387, MedGen C4707243, MONDO:0019625.

Submission:

Ambry Genetics
Classification: Uncertain significance for Familial thoracic aortic aneurysm and aortic dissection. Last evaluated: 2025-01-02. Review status: criteria provided, single submitter. Criteria: Ambry Variant Classification Scheme 2023. Collection method: clinical testing. Allele origin: germline.
Comment: The p.H2520Q variant (also known as c.7560C>A), located in coding exon 45 of the FLNA gene, results from a C to A substitution at nucleotide position 7560. The histidine at codon 2520 is replaced by glutamine, an amino acid with highly similar properties. This amino acid position is well conserved in available vertebrate species. In addition, the in silico prediction for this alteration is inconclusive. Based on the available evidence, the clinical significance of this variant remains unclear.